The following is an entry in ClinVar:

NM_213720.3(CHCHD10):c.37G>A (p.Ala13Thr)

Gene: CHCHD10 (coiled-coil-helix-coiled-coil-helix domain containing 10; minus strand). Cytogenetic location: 22q11.23.
Variant type: single nucleotide variant.
Coding change: c.37G>A on transcript NM_213720.3 (MANE Select); coding-DNA position 37, G replaced by A.
Protein change: p.Ala13Thr; replaces alanine 13 with threonine.
Molecular consequence: missense variant. On other transcripts: non-coding transcript variant (2).
Genome position (GRCh38, 1-based): chr22:23,767,838, C>T on the plus strand (G>A on the coding strand, the complement: CHCHD10 is on the minus strand). VCF-style: chr22-23767838-C-T. GRCh37 (hg19) VCF-style: chr22-24110025-C-T.
Other names: c.37G>A, p.Ala13Thr (NM_001301339.2); short protein forms A13T.
Identifiers: ClinVar variation 2932803 (VCV002932803.3), dbSNP rs1926990501, ClinGen allele CA410917428.

ClinVar aggregate classification (germline): Uncertain significance (1 of 4 stars; one submission).

Conditions:
Lower motor neuron syndrome with late-adult onset (SMAJ). Also called: Spinal muscular atrophy, Jokela type; Late-Onset Spinal Motor Neuronopathy (SMAJ). Identifiers: Orphanet 276435, MedGen C3554398, MONDO:0014025, OMIM 615048.
Autosomal dominant mitochondrial myopathy with exercise intolerance (IMMD). Also called: Myopathy, isolated mitochondrial, autosomal dominant. Identifiers: Orphanet 457050, MedGen C4015513, MONDO:0014532, OMIM 616209.
Frontotemporal dementia and/or amyotrophic lateral sclerosis 2. Also called: FTDALS2. Identifiers: Orphanet 275872, MedGen C4014648, MONDO:0014395, OMIM 615911.

Allele frequency attached by ClinVar (database versions not stated): TOPMed 0.00001; gnomAD exomes below 0.00001.
gnomAD v4.1: 4 of 1,529,548 alleles (0.00026%); highest among the groups gnomAD compares: Admixed American, 0.0021%; no homozygotes.

Submission:

Labcorp Genetics (formerly Invitae), Labcorp
Classification: Uncertain significance for Lower motor neuron syndrome with late-adult onset; Frontotemporal dementia and/or amyotrophic lateral sclerosis 2; Autosomal dominant mitochondrial myopathy with exercise intolerance. Last evaluated: 2023-03-02. Review status: criteria provided, single submitter. Criteria: Invitae Variant Classification Sherloc (09022015). Collection method: clinical testing. Allele origin: germline.
Comment: This sequence change replaces alanine, which is neutral and non-polar, with threonine, which is neutral and polar, at codon 13 of the CHCHD10 protein (p.Ala13Thr). In summary, the available evidence is currently insufficient to determine the role of this variant in disease. Therefore, it has been classified as a Variant of Uncertain Significance. Experimental studies and prediction algorithms are not available or were not evaluated, and the functional significance of this variant is currently unknown. This variant has not been reported in the literature in individuals affected with CHCHD10-related conditions. This variant is not present in population databases (gnomAD no frequency).